The following is an entry in ClinVar:

ClinVar aggregate classification (germline): Uncertain significance. Review status: criteria provided, multiple submitters, no conflicts (2 of 4 stars). 2 submissions from 2 submitters: Uncertain significance (2). Last evaluated 2024-02-22.

Conditions:
Inborn genetic diseases. Identifiers: MedGen C0950123, MeSH D030342.

Allele frequency attached by ClinVar (database versions not stated): gnomAD exomes below 0.00001; TOPMed below 0.00001; ExAC 0.00001; gnomAD 0.00001.
gnomAD v4.1: 5 of 1,613,966 alleles (0.00031%); highest among the groups gnomAD compares: Non-Finnish European, 0.00042%; no homozygotes.

Submissions (2):

Labcorp Genetics (formerly Invitae), Labcorp
Classification: Uncertain significance. Last evaluated: 2024-02-22. Review status: criteria provided, single submitter. Criteria: Invitae Variant Classification Sherloc (09022015). Collection method: clinical testing. Allele origin: germline.
Comment: This sequence change replaces leucine, which is neutral and non-polar, with valine, which is neutral and non-polar, at codon 991 of the ATR protein (p.Leu991Val). This variant is present in population databases (rs747153320, gnomAD 0.002%). This variant has not been reported in the literature in individuals affected with ATR-related conditions. ClinVar contains an entry for this variant (Variation ID: 856641). An algorithm developed to predict the effect of missense changes on protein structure and function (PolyPhen-2) suggests that this variant is likely to be disruptive. In summary, the available evidence is currently insufficient to determine the role of this variant in disease. Therefore, it has been classified as a Variant of Uncertain Significance.

Ambry Genetics
Classification: Uncertain significance for Inborn genetic diseases. Last evaluated: 2022-12-23. Review status: criteria provided, single submitter. Criteria: Ambry Variant Classification Scheme 2023. Collection method: clinical testing. Allele origin: germline.
Comment: The p.L991V variant (also known as c.2971C>G), located in coding exon 14 of the ATR gene, results from a C to G substitution at nucleotide position 2971. The leucine at codon 991 is replaced by valine, an amino acid with highly similar properties. This amino acid position is conserved. In addition, the in silico prediction for this alteration is inconclusive. Since supporting evidence is limited at this time, the clinical significance of this alteration remains unclear.

NM_001184.4(ATR):c.2971C>G (p.Leu991Val)

Gene: ATR (ATR serine/threonine kinase; minus strand). Cytogenetic location: 3q23.
Variant type: single nucleotide variant.
Coding change: c.2971C>G on transcript NM_001184.4 (MANE Select); coding-DNA position 2971, C replaced by G.
Protein change: p.Leu991Val; replaces leucine 991 with valine.
Molecular consequence: missense variant.
Genome position (GRCh38, 1-based): chr3:142,550,137, G>C on the plus strand (C>G on the coding strand, the complement: ATR is on the minus strand). VCF-style: chr3-142550137-G-C. GRCh37 (hg19) VCF-style: chr3-142268979-G-C.
Other names: c.2779C>G, p.Leu927Val (NM_001354579.2); short protein forms L991V, L927V.
Identifiers: ClinVar variation 856641 (VCV000856641.10), dbSNP rs747153320, ClinGen allele CA2650241.